The following is an entry in ClinVar:

NM_015559.3(SETBP1):c.1077G>C (p.Gln359His)

Gene: SETBP1 (SET binding protein 1; plus strand). Cytogenetic location: 18q12.3.
Variant type: single nucleotide variant.
Coding change: c.1077G>C on transcript NM_015559.3 (MANE Select); coding-DNA position 1077, G replaced by C.
Protein change: p.Gln359His; replaces glutamine 359 with histidine.
Molecular consequence: missense variant.
Genome position (GRCh38, 1-based): chr18:44,950,417, G>C. VCF-style: chr18-44950417-G-C. GRCh37 (hg19) VCF-style: chr18-42530382-G-C.
Other names: c.1077G>C, p.Gln359His (NM_001379141.1, NM_001379142.1, NM_001410862.1); short protein forms Q359H.
Identifiers: ClinVar variation 2113273 (VCV002113273.4), dbSNP rs1466045235, ClinGen allele CA402317677.
Genomic context (GRCh38, chr18:44,950,417, plus strand): 5'-AAAAGATGTGATAAGTCAGACCATACCAAACCCAGACCTGGATTGGGTCAAGAATGCCCA[G>C]AAAGCATTTGACAATACAGAAGGGAAAAGGGAAGGTTATTCCGCAGATAGTGCCCAAGAG-3'
Protein context (NP_056374.2, residues 349-369): NPDLDWVKNA[Gln359His]KAFDNTEGKR

ClinVar aggregate classification (germline): Uncertain significance (1 of 4 stars; one submission).

Allele frequency attached by ClinVar (database versions not stated): TOPMed below 0.00001.

Submission:

Labcorp Genetics (formerly Invitae), Labcorp
Classification: Uncertain significance. Last evaluated: 2025-06-17. Review status: criteria provided, single submitter. Criteria: Invitae Variant Classification Sherloc (09022015). Collection method: clinical testing. Allele origin: germline.
Comment: This sequence change replaces glutamine, which is neutral and polar, with histidine, which is basic and polar, at codon 359 of the SETBP1 protein (p.Gln359His). This variant is not present in population databases (gnomAD no frequency). This variant has not been reported in the literature in individuals affected with SETBP1-related conditions. ClinVar contains an entry for this variant (Variation ID: 2113273). Invitae Evidence Modeling of protein sequence and biophysical properties (such as structural, functional, and spatial information, amino acid conservation, physicochemical variation, residue mobility, and thermodynamic stability) indicates that this missense variant is not expected to disrupt SETBP1 protein function with a negative predictive value of 80%. In summary, the available evidence is currently insufficient to determine the role of this variant in disease. Therefore, it has been classified as a Variant of Uncertain Significance.